The following is an entry in ClinVar:

ClinVar aggregate classification (germline): Uncertain significance (1 of 4 stars; one submission).

Conditions:
Complement component 3 deficiency. Identifiers: Orphanet 280133, MedGen C3151071, MONDO:0013417, OMIM 613779.
C3 glomerulonephritis. Also called: Nephropathy due to CFHR5 Deficiency; C3 GLOMERULOPATHY 3. Identifiers: Orphanet 329931, MedGen C4055342, MONDO:0013892, OMIM 614809.
Atypical hemolytic-uremic syndrome. Identifiers: Orphanet 2134, MedGen C2931788, MONDO:0016244.

Submission:

Genomenon, Inc
Classification: Uncertain significance for Complement component 3 deficiency; C3 glomerulonephritis; Atypical hemolytic-uremic syndrome. Last evaluated: 2025-09-30. Review status: criteria provided, single submitter. Criteria: Genomenon Sequence Variant Interpretation Standards. Collection method: curation. Allele origin: germline. Affected: no.
Comment: C3 p.Pro1223Ala (c.3667C>G) is a missense variant that changes the amino acid at residue 1223 from Proline to Alanine. This variant has been reported in the published literature (PMID:7868901). It is absent or not present at a significant frequency in gnomAD. In silico models agree that this variant is not damaging. In conclusion, we classify C3 p.Pro1223Ala (c.3667C>G) as a variant of unknown significance.

Literature cited by the submitters: PubMed 7868901.

NM_000064.4(C3):c.3667C>G (p.Pro1223Ala)

Gene: C3 (complement C3; minus strand). Cytogenetic location: 19p13.3.
Variant type: single nucleotide variant.
Coding change: c.3667C>G on transcript NM_000064.4 (MANE Select); coding-DNA position 3667, C replaced by G.
Protein change: p.Pro1223Ala; replaces proline 1223 with alanine.
Molecular consequence: missense variant.
Genome position (GRCh38, 1-based): chr19:6,686,267, G>C on the plus strand (C>G on the coding strand, the complement: C3 is on the minus strand). VCF-style: chr19-6686267-G-C. GRCh37 (hg19) VCF-style: chr19-6686278-G-C.
Other names: short protein forms P1223A.
Identifiers: ClinVar variation 4280223 (VCV004280223.1).